The following is an entry in ClinVar:

ClinVar aggregate classification (germline): Uncertain significance (1 of 4 stars; one submission).

Conditions:
PLXNA3-related disorder. Also called: PLXNA3-related condition.

Submission:

PreventionGenetics, part of Exact Sciences
Classification: Uncertain significance for PLXNA3-related condition. Last evaluated: 2025-07-17. Review status: criteria provided, single submitter. Criteria: ACMG Guidelines, 2015. Collection method: clinical testing. Allele origin: germline.
Comment: The PLXNA3 c.672C>G variant is predicted to result in the amino acid substitution p.Ile224Met. To our knowledge, this variant has not been reported in the literature or in a large population database (gnomAD), indicating this variant is rare. At this time, the clinical significance of this variant is uncertain due to the absence of conclusive functional and genetic evidence.

NM_017514.5(PLXNA3):c.672C>G (p.Ile224Met)

Gene: PLXNA3 (plexin A3; plus strand). Cytogenetic location: Xq28.
Variant type: single nucleotide variant.
Coding change: c.672C>G on transcript NM_017514.5 (MANE Select); coding-DNA position 672, C replaced by G.
Protein change: p.Ile224Met; replaces isoleucine 224 with methionine.
Molecular consequence: missense variant.
Genome position (GRCh38, 1-based): chrX:154,461,176, C>G. VCF-style: chrX-154461176-C-G. GRCh37 (hg19) VCF-style: chrX-153689516-C-G.
Other names: short protein forms I224M.
Identifiers: ClinVar variation 4984651 (VCV004984651.1).